The following is an entry in ClinVar:

NM_007194.4(CHEK2):c.1109G>A (p.Gly370Glu)

Gene: CHEK2 (checkpoint kinase 2; minus strand). Cytogenetic location: 22q12.1.
Variant type: single nucleotide variant.
Coding change: c.1109G>A on transcript NM_007194.4 (MANE Select); coding-DNA position 1109, G replaced by A.
Protein change: p.Gly370Glu; replaces glycine 370 with glutamic acid.
Molecular consequence: missense variant.
Genome position (GRCh38, 1-based): chr22:28,695,860, C>T on the plus strand (G>A on the coding strand, the complement: CHEK2 is on the minus strand). VCF-style: chr22-28695860-C-T. GRCh37 (hg19) VCF-style: chr22-29091848-C-T.
Other names: p.G370E:GGG>GAG; c.1238G>A, p.Gly413Glu (NM_001005735.3); c.446G>A, p.Gly149Glu (NM_001257387.3); c.908G>A, p.Gly303Glu (NM_001349956.3); c.1022G>A, p.Gly341Glu (NM_145862.3); short protein forms G370E, G303E, G341E, G413E, G149E.
Identifiers: ClinVar variation 128043 (VCV000128043.17), dbSNP rs587780166, ClinGen allele CA288252.
Genomic context (GRCh38, chr22:28,695,860, plus strand): 5'-TAGGTGGGGGTTCCACATAAGGTTCTCATGAGAGAGGTCTCTCCCAAAATCTTGGAGTGC[C>T]CAAAATCAGTAATCTAAAATTCAGTACAAAAGGGAATAATGTTGAACTTGCCATAAAATA-3'
Protein context (NP_009125.1, residues 360-380): EDCLIKITDF[Gly370Glu]HSKILGETSL

ClinVar aggregate classification (germline): Uncertain significance. Review status: criteria provided, multiple submitters, no conflicts (2 of 4 stars). 3 submissions from 3 submitters: Uncertain significance (3). Last evaluated 2025-10-31.

Conditions:
Hereditary cancer-predisposing syndrome. Also called: Hereditary neoplastic syndrome; Neoplastic Syndromes, Hereditary; Hereditary Cancer Syndrome; Tumor predisposition. Identifiers: Orphanet 140162, MedGen C0027672, MeSH D009386, MONDO:0015356.
Familial cancer of breast. Also called: Hereditary breast cancer; BREAST CANCER, FAMILIAL; hereditary breast carcinoma. Identifiers: Orphanet 227535, MedGen C0346153, MONDO:0016419, OMIM 114480. Disease mechanism: loss of function.

Allele frequency attached by ClinVar (database versions not stated): gnomAD exomes below 0.00001.
gnomAD v4.1: 1 of 1,612,390 alleles (0.000062%); highest among the groups gnomAD compares: East Asian, 0.0022%; no homozygotes.

Submissions (3):

Labcorp Genetics (formerly Invitae), Labcorp
Classification: Uncertain significance for Familial cancer of breast. Last evaluated: 2025-10-31. Review status: criteria provided, single submitter. Criteria: Invitae Variant Classification Sherloc (09022015). Collection method: clinical testing. Allele origin: germline.
Comment: This sequence change replaces glycine, which is neutral and non-polar, with glutamic acid, which is acidic and polar, at codon 370 of the CHEK2 protein (p.Gly370Glu). This variant is not present in population databases (gnomAD no frequency). This variant has not been reported in the literature in individuals affected with CHEK2-related conditions. ClinVar contains an entry for this variant (Variation ID: 128043). An algorithm developed to predict the effect of missense changes on protein structure and function (PolyPhen-2) suggests that this variant is likely to be disruptive. Experimental studies have shown that this missense change affects CHEK2 function (PMID: 30851065). In summary, the available evidence is currently insufficient to determine the role of this variant in disease. Therefore, it has been classified as a Variant of Uncertain Significance.

Ambry Genetics
Classification: Uncertain significance for Hereditary cancer-predisposing syndrome. Last evaluated: 2025-07-08. Review status: criteria provided, single submitter. Criteria: Ambry Variant Classification Scheme 2023. Collection method: clinical testing. Allele origin: germline.
Comment: The p.G370E variant (also known as c.1109G>A), located in coding exon 10 of the CHEK2 gene, results from a G to A substitution at nucleotide position 1109. The glycine at codon 370 is replaced by glutamic acid, an amino acid with similar properties. This alteration behaved as non-functional in an in vivo, yeast-based growth rate assay (Delimitsou A et al. Hum. Mutat., 2019 05;40:631-648). Based on internal structural analysis, G370E is located in the DFG motif of CHEK2. This motif is important to catalysis and conformational changes (Kornev AP et al. Proc. Natl. Acad. Sci. U.S.A., 2006 Nov;103:17783-8; Oliver AW et al. EMBO J., 2006 Jul;25:3179-90; Lahiry P et al. Nat. Rev. Genet., 2010 Jan;11:60-74; Matijssen C et al. Bioorg. Med. Chem., 2012 Nov;20:6630-9; Silva-Santisteban MC et al. PLoS ONE, 2013 Jun;8:e65689). In addition, this variant was reported as functionally impaired in a study assessing CHEK2-complementation through quantification of KAP1 phosphorylation and CHK2 autophosphorylation in human RPE1-CHEK2-knockout cells (Stolarova L et al. Clin Cancer Res. 2023;29(16):3037-3050). This amino acid position is well conserved in available vertebrate species. In addition, this alteration is predicted to be deleterious by in silico analysis. Since supporting evidence is limited at this time, the clinical significance of this alteration remains unclear.

GeneDx
Classification: Uncertain significance. Last evaluated: 2018-01-30. Review status: criteria provided, single submitter. Criteria: GeneDx Variant Classification (06012015). Collection method: clinical testing. Allele origin: germline. Affected: yes.
Comment: This variant is denoted CHEK2 c.1109G>A at the cDNA level, p.Gly370Glu (G370E) at the protein level, and results in the change of a Glycine to a Glutamic Acid (GGG>GAG). This variant has not, to our knowledge, been published in the literature as pathogenic or benign. CHEK2 Gly370Glu was not observed in approximately 6,500 individuals of European and African American ancestry in the NHLBI Exome Sequencing Project, indicating it is not a common benign variant in these populations. Since Glycine and Glutamic Acid differ in some properties, this is considered a semi-conservative amino acid substitution and may affect protein integrity. CHEK2 Gly370Glu occurs at a position that is well conserved across species and is located in the protein kinase domain. In silico analyses predict that this variant is probably damaging to protein structure and function. Based on currently available information, we cannot determine whether CHEK2 Gly370Glu is pathogenic or benign. We consider it to be a variant of uncertain significance.

Literature cited by the submitters: PubMed 30851065 (cited by Labcorp Genetics (formerly Invitae), Labcorp and Ambry Genetics); PubMed 16794575 (cited by Ambry Genetics); PubMed 17095602 (cited by Ambry Genetics); PubMed 20019687 (cited by Ambry Genetics); PubMed 23058106 (cited by Ambry Genetics); PubMed 23776527 (cited by Ambry Genetics); PubMed 24879340 (cited by Ambry Genetics); PubMed 31398194 (cited by Ambry Genetics); PubMed 31780696 (cited by Ambry Genetics).